The following is an entry in ClinVar:

NM_000814.6(GABRB3):c.868A>C (p.Asn290His)

Gene: GABRB3 (gamma-aminobutyric acid type A receptor subunit beta3; minus strand). Cytogenetic location: 15q12.
Variant type: single nucleotide variant.
Coding change: c.868A>C on transcript NM_000814.6 (MANE Select); coding-DNA position 868, A replaced by C.
Protein change: p.Asn290His; replaces asparagine 290 with histidine.
Molecular consequence: missense variant.
Genome position (GRCh38, 1-based): chr15:26,561,144, T>G on the plus strand (A>C on the coding strand, the complement: GABRB3 is on the minus strand). VCF-style: chr15-26561144-T-G. GRCh37 (hg19) VCF-style: chr15-26806291-T-G.
Other names: c.613A>C, p.Asn205His (NM_001191320.2, NM_001278631.2); c.655A>C, p.Asn219His (NM_001191321.3); c.868A>C, p.Asn290His (NM_021912.5); short protein forms N205H, N219H, N290H.
Identifiers: ClinVar variation 2005842 (VCV002005842.4), dbSNP rs2504153865, ClinGen allele CA391462311.

ClinVar aggregate classification (germline): Uncertain significance (1 of 4 stars; one submission).

Conditions:
Epilepsy, childhood absence, susceptibility to, 1. Also called: Epilepsy, childhood absence 1. Identifiers: Orphanet 64280, MedGen C1838604, MONDO:0020759, OMIM 600131.
Epilepsy, childhood absence, susceptibility to, 5. Identifiers: Orphanet 64280, MedGen C2677087, MONDO:0012843, OMIM 612269.

Submission:

Labcorp Genetics (formerly Invitae), Labcorp
Classification: Uncertain significance for Epilepsy, childhood absence, susceptibility to, 5; Epilepsy, childhood absence, susceptibility to, 1. Last evaluated: 2022-06-13. Review status: criteria provided, single submitter. Criteria: Invitae Variant Classification Sherloc (09022015). Collection method: clinical testing. Allele origin: germline.
Comment: In summary, the available evidence is currently insufficient to determine the role of this variant in disease. Therefore, it has been classified as a Variant of Uncertain Significance. Advanced modeling of protein sequence and biophysical properties (such as structural, functional, and spatial information, amino acid conservation, physicochemical variation, residue mobility, and thermodynamic stability) performed at Invitae indicates that this missense variant is expected to disrupt GABRB3 protein function. This variant has not been reported in the literature in individuals affected with GABRB3-related conditions. This variant is not present in population databases (gnomAD no frequency). This sequence change replaces asparagine, which is neutral and polar, with histidine, which is basic and polar, at codon 290 of the GABRB3 protein (p.Asn290His).